The following is an entry in ClinVar:

NM_032578.4(MYPN):c.925C>G (p.Leu309Val)

Gene: MYPN (myopalladin; plus strand). Cytogenetic location: 10q21.3.
Variant type: single nucleotide variant.
Coding change: c.925C>G on transcript NM_032578.4 (MANE Select); coding-DNA position 925, C replaced by G.
Protein change: p.Leu309Val; replaces leucine 309 with valine.
Molecular consequence: missense variant. On other transcripts: non-coding transcript variant (2).
Genome position (GRCh38, 1-based): chr10:68,142,962, C>G. VCF-style: chr10-68142962-C-G. GRCh37 (hg19) VCF-style: chr10-69902719-C-G.
Other names: c.925C>G, p.Leu309Val (NM_001256267.2); c.43C>G, p.Leu15Val (NM_001256268.2); short protein forms L15V, L309V.
Identifiers: ClinVar variation 1060452 (VCV001060452.6), dbSNP rs747665161, ClinGen allele CA376828789.
Genomic context (GRCh38, chr10:68,142,962, plus strand): 5'-TTGAGTCATGTCCAATGACCATATCCTTTTCCCTGCAGGTGGTACTGTGAAGGCAAGGAG[C>G]TTGAAAATTCCCCAGATATTCACATCGTCCAGGCAGGAAATCTGCACTCACTGACCATTG-3'
Protein context (NP_115967.2, residues 299-319): QVRWYCEGKE[Leu309Val]ENSPDIHIVQ

ClinVar aggregate classification (germline): Uncertain significance (1 of 4 stars; one submission).

Conditions:
Dilated cardiomyopathy 1KK (CMD1KK). Identifiers: Orphanet 154, Orphanet 75249, MedGen C3714995, MONDO:0014100, OMIM 615248.

Submission:

Labcorp Genetics (formerly Invitae), Labcorp
Classification: Uncertain significance for Dilated cardiomyopathy 1KK. Last evaluated: 2022-05-24. Review status: criteria provided, single submitter. Criteria: Invitae Variant Classification Sherloc (09022015). Collection method: clinical testing. Allele origin: germline.
Comment: This sequence change replaces leucine, which is neutral and non-polar, with valine, which is neutral and non-polar, at codon 309 of the MYPN protein (p.Leu309Val). This variant is not present in population databases (gnomAD no frequency). This variant has not been reported in the literature in individuals affected with MYPN-related conditions. ClinVar contains an entry for this variant (Variation ID: 1060452). Algorithms developed to predict the effect of missense changes on protein structure and function are either unavailable or do not agree on the potential impact of this missense change (SIFT: "Tolerated"; PolyPhen-2: "Probably Damaging"; Align-GVGD: "Class C0"). In summary, the available evidence is currently insufficient to determine the role of this variant in disease. Therefore, it has been classified as a Variant of Uncertain Significance.